The following is an entry in ClinVar:

ClinVar aggregate classification (germline): Likely benign. Review status: criteria provided, multiple submitters, no conflicts (2 of 4 stars). 3 submissions from 3 submitters: Likely benign (2). 1 of the submissions does not count toward it. Last evaluated 2025-11-03.

Conditions:
Hereditary cancer-predisposing syndrome. Also called: Hereditary neoplastic syndrome; Tumor predisposition; Neoplastic Syndromes, Hereditary; Hereditary Cancer Syndrome. Identifiers: Orphanet 140162, MedGen C0027672, MeSH D009386, MONDO:0015356.
Gorlin syndrome. Also called: Basal cell nevus syndrome; Nevoid Basal Cell Carcinoma Syndrome. Identifiers: Orphanet 377, MedGen C0004779, MONDO:0007187.
PTCH1-related disorder. Also called: PTCH1-related disorders; PTCH1-related condition.

Allele frequency attached by ClinVar (database versions not stated): gnomAD exomes below 0.00001; TOPMed 0.00001.
gnomAD v4.1: 5 of 1,614,126 alleles (0.00031%); highest among the groups gnomAD compares: East Asian, 0.0045%; no homozygotes.

Submissions (3):

Labcorp Genetics (formerly Invitae), Labcorp
Classification: Likely benign for Gorlin syndrome. Last evaluated: 2025-11-03. Review status: criteria provided, single submitter. Criteria: Invitae Variant Classification Sherloc (09022015). Collection method: clinical testing. Allele origin: germline.

Ambry Genetics
Classification: Likely benign for Hereditary cancer-predisposing syndrome. Last evaluated: 2023-01-21. Review status: criteria provided, single submitter. Criteria: Ambry Variant Classification Scheme 2023. Collection method: clinical testing. Allele origin: germline.

PreventionGenetics, part of Exact Sciences
Classification: Likely benign for PTCH1-related condition. Last evaluated: 2024-09-11. Review status: no assertion criteria provided. Collection method: clinical testing. Allele origin: germline. Not counted in ClinVar's aggregate classification.
Comment: This variant is classified as likely benign based on ACMG/AMP sequence variant interpretation guidelines (Richards et al. 2015 PMID: 25741868, with internal and published modifications).

NM_000264.5(PTCH1):c.3471G>A (p.Ala1157=)

Gene: PTCH1 (patched 1; minus strand). Cytogenetic location: 9q22.32.
Variant type: single nucleotide variant.
Coding change: c.3471G>A on transcript NM_000264.5 (MANE Select); coding-DNA position 3471, G replaced by A.
Protein change: p.Ala1157=; no amino-acid change (alanine 1157 retained).
Molecular consequence: synonymous variant. On other transcripts: non-coding transcript variant (1).
Genome position (GRCh38, 1-based): chr9:95,449,919, C>T on the plus strand (G>A on the coding strand, the complement: PTCH1 is on the minus strand). VCF-style: chr9-95449919-C-T. GRCh37 (hg19) VCF-style: chr9-98212201-C-T.
Other names: c.3273G>A, p.Ala1091= (NM_001083602.3); c.3468G>A, p.Ala1156= (NM_001083603.3); c.3018G>A, p.Ala1006= (NM_001083604.3, NM_001083605.3, NM_001083606.3 and 1 more transcripts); c.3315G>A, p.Ala1105= (NM_001354918.2).
Identifiers: ClinVar variation 1106265 (VCV001106265.12), dbSNP rs950019214, ClinGen allele CA196567283.